The following is an entry in ClinVar:

NM_001846.4(COL4A2):c.919C>G (p.Pro307Ala)

Gene: COL4A2 (collagen type IV alpha 2 chain; plus strand). Cytogenetic location: 13q34.
Variant type: single nucleotide variant.
Coding change: c.919C>G on transcript NM_001846.4 (MANE Select); coding-DNA position 919, C replaced by G.
Protein change: p.Pro307Ala; replaces proline 307 with alanine.
Molecular consequence: missense variant.
Genome position (GRCh38, 1-based): chr13:110,439,795, C>G. VCF-style: chr13-110439795-C-G. GRCh37 (hg19) VCF-style: chr13-111092142-C-G.
Other names: short protein forms P307A.
Identifiers: ClinVar variation 2749060 (VCV002749060.3), dbSNP rs2502076692, ClinGen allele CA388732657.

ClinVar aggregate classification (germline): Uncertain significance (1 of 4 stars; one submission).

Submission:

Labcorp Genetics (formerly Invitae), Labcorp
Classification: Uncertain significance. Last evaluated: 2023-08-01. Review status: criteria provided, single submitter. Criteria: Invitae Variant Classification Sherloc (09022015). Collection method: clinical testing. Allele origin: germline.
Comment: In summary, the available evidence is currently insufficient to determine the role of this variant in disease. Therefore, it has been classified as a Variant of Uncertain Significance. Advanced modeling of protein sequence and biophysical properties (such as structural, functional, and spatial information, amino acid conservation, physicochemical variation, residue mobility, and thermodynamic stability) performed at Invitae indicates that this missense variant is not expected to disrupt COL4A2 protein function. This variant has not been reported in the literature in individuals affected with COL4A2-related conditions. This variant is not present in population databases (gnomAD no frequency). This sequence change replaces proline, which is neutral and non-polar, with alanine, which is neutral and non-polar, at codon 307 of the COL4A2 protein (p.Pro307Ala).